The following is an entry in ClinVar:

ClinVar aggregate classification (somatic clinical impact): Tier II - Potential (1 of 4 stars; one submission).

Conditions:
Rhabdomyosarcoma. Also called: Rhabdomyosarcoma (disease). Identifiers: Orphanet 780, MedGen C0035412, MeSH D012208, MONDO:0005212, HP:0002859.

Submission:

Institute for Genomic Medicine (IGM) Clinical Laboratory, Nationwide Children's Hospital
Classification: Tier II - Potential for Rhabdomyosarcoma. Assertion type: diagnostic. Clinical significance: supports diagnosis. Last evaluated: 2025-04-06. Review status: criteria provided, single submitter. Criteria: AMP/ASCO/CAP Guidelines, 2017. Collection method: clinical testing. Allele origin: somatic. Affected: yes.
Comment: Variant has Tier II (potential) clinical significance as a diagnostic inclusion criterion in rhabdomyosarcoma, based on the following evidence: 1) Documented in one or more cancer databases (e.g., St. Jude Pecan, COSMIC, CIViC, OncoKB). 2) Information in the literature supports potential biologic effect of variant (PMID: 31130285). 3) Diagnostic significance based on multiple small studies (Evidence Level C; PMID: 37942564).

Literature cited by the submitters: PubMed 31130285; PubMed 37942564.

NM_012250.6(RRAS2):c.216A>T (p.Gln72His)

Gene: RRAS2 (RAS related 2; minus strand). Cytogenetic location: 11p15.2.
Variant type: single nucleotide variant.
Coding change: c.216A>T on transcript NM_012250.6 (MANE Select); coding-DNA position 216, A replaced by T.
Protein change: p.Gln72His; replaces glutamine 72 with histidine.
Molecular consequence: missense variant. On other transcripts: 5 prime UTR variant (9).
Genome position (GRCh38, 1-based): chr11:14,294,843, T>A on the plus strand (A>T on the coding strand, the complement: RRAS2 is on the minus strand). VCF-style: chr11-14294843-T-A. GRCh37 (hg19) VCF-style: chr11-14316389-T-A.
Other names: c.-16A>T (NM_001102669.3, NM_001177315.2, NM_001440709.1 and 6 more transcripts); c.111A>T, p.Gln37His (NM_001177314.2); c.216A>T, p.Gln72His (NM_001440708.1); short protein forms Q37H, Q72H.
Identifiers: ClinVar variation 4530313 (VCV004530313.1).